The following is an entry in ClinVar:

ClinVar aggregate classification (germline): Uncertain significance. Review status: criteria provided, multiple submitters, no conflicts (2 of 4 stars). 2 submissions from 2 submitters: Uncertain significance (2). Last evaluated 2024-12-02.

Conditions:
Inborn genetic diseases. Identifiers: MedGen C0950123, MeSH D030342.

Allele frequency attached by ClinVar (database versions not stated): TOPMed 0.00001; gnomAD 0.00002; gnomAD exomes 0.00002.
gnomAD v4.1: 26 of 1,193,662 alleles (0.0022%); highest among the groups gnomAD compares: Non-Finnish European, 0.0029%; no homozygotes.

Submissions (2):

Ambry Genetics
Classification: Uncertain significance for Inborn genetic diseases. Last evaluated: 2024-12-02. Review status: criteria provided, single submitter. Criteria: Ambry Variant Classification Scheme 2023. Collection method: clinical testing. Allele origin: germline.

Labcorp Genetics (formerly Invitae), Labcorp
Classification: Uncertain significance. Last evaluated: 2024-02-23. Review status: criteria provided, single submitter. Criteria: Invitae Variant Classification Sherloc (09022015). Collection method: clinical testing. Allele origin: germline.
Comment: This sequence change replaces serine, which is neutral and polar, with glycine, which is neutral and non-polar, at codon 177 of the SSR4 protein (p.Ser177Gly). The frequency data for this variant in the population databases is considered unreliable, as metrics indicate poor data quality at this position in the gnomAD database. This variant has not been reported in the literature in individuals affected with SSR4-related conditions. ClinVar contains an entry for this variant (Variation ID: 1443444). Experimental studies and prediction algorithms are not available or were not evaluated, and the functional significance of this variant is currently unknown. Algorithms developed to predict the effect of sequence changes on RNA splicing suggest that this variant may create or strengthen a splice site. In summary, the available evidence is currently insufficient to determine the role of this variant in disease. Therefore, it has been classified as a Variant of Uncertain Significance.

NM_006280.3(SSR4):c.496A>G (p.Ser166Gly)

Gene: SSR4 (signal sequence receptor subunit 4; plus strand). Cytogenetic location: Xq28.
Variant type: single nucleotide variant.
Coding change: c.496A>G on transcript NM_006280.3 (MANE Select); coding-DNA position 496, A replaced by G.
Protein change: p.Ser166Gly; replaces serine 166 with glycine.
Molecular consequence: missense variant.
Genome position (GRCh38, 1-based): chrX:153,798,407, A>G. VCF-style: chrX-153798407-A-G. GRCh37 (hg19) VCF-style: chrX-153063862-A-G.
Other names: c.529A>G, p.Ser177Gly (NM_001204526.2); c.520A>G, p.Ser174Gly (NM_001204527.2); short protein forms S166G, S174G, S177G.
Identifiers: ClinVar variation 1443444 (VCV001443444.9), dbSNP rs1216251756, ClinGen allele CA415187425.